The following is an entry in ClinVar:

ClinVar aggregate classification (germline): Pathogenic (1 of 4 stars; one submission).

Allele frequency attached by ClinVar (database versions not stated): gnomAD 0.00001.

Submission:

Ambry Genetics
Classification: Pathogenic. Last evaluated: 2026-05-29. Review status: criteria provided, single submitter. Criteria: Ambry Variant Classification Scheme 2023. Collection method: clinical testing. Allele origin: germline.
Comment: The c.2968delG pathogenic mutation, located in coding exon 1 of the MLH3 gene, results from a deletion of one nucleotide at nucleotide position 2968, causing a translational frameshift with a predicted alternate stop codon (p.A990Pfs*6). This variant is considered to be rare based on population cohorts in the Genome Aggregation Database (gnomAD). This alteration is expected to result in loss of function by premature protein truncation or nonsense-mediated mRNA decay. As such, this alteration is interpreted as a disease-causing mutation.

NM_001040108.2(MLH3):c.2968del (p.Ala990fs)

Gene: MLH3 (mutL homolog 3; minus strand). Cytogenetic location: 14q24.3.
Variant type: Deletion.
Coding change: c.2968del on transcript NM_001040108.2 (MANE Select); coding-DNA position 2968, one base deleted (G; older notation c.2968delG).
Protein change: p.Ala990fs; shifts the reading frame from alanine 990.
Molecular consequence: frameshift variant.
Genome position (GRCh38, 1-based): chr14:75,046,688, C deleted on the plus strand (G on the coding strand, the reverse complement: MLH3 is on the minus strand). VCF-style (leftmost placement, unchanged base first): chr14-75046687-GC-G. GRCh37 (hg19) VCF-style: chr14-75513390-GC-G.
Other names: c.2968del, p.Ala990fs (NM_014381.3); short protein forms A990fs.
Identifiers: ClinVar variation 2561681 (VCV002561681.3), dbSNP rs1892250243, ClinGen allele CA964771193.